The following is an entry in ClinVar:

NC_000014.8:g.(?_105167703)_(105213340_?)del

Genes: ADSS1 (adenylosuccinate synthase 1; plus strand), INF2 (inverted formin 2; plus strand). Cytogenetic location: 14q32.33.
Variant type: Deletion.
Identifiers: ClinVar variation 3244104 (VCV003244104.1).

ClinVar aggregate classification (germline): Pathogenic (1 of 4 stars; one submission).

Submission:

Labcorp Genetics (formerly Invitae), Labcorp
Classification: Pathogenic. Last evaluated: 2023-10-13. Review status: criteria provided, single submitter. Criteria: Invitae Variant Classification Sherloc (09022015). Collection method: clinical testing. Allele origin: unknown.
Comment: A gross deletion of the genomic region encompassing the full coding sequence of the ADSSL1 gene has been identified. Loss-of-function variants in ADSSL1 are known to be pathogenic (PMID: 26506222). The boundaries of this event are unknown as they extend beyond the assayed region for this gene and therefore may encompass additional genes. This variant has not been reported in the literature in individuals affected with ADSSL1-related conditions. For these reasons, this variant has been classified as Pathogenic.

Literature cited by the submitters: PubMed 26506222.